The following is an entry in ClinVar:

NM_002691.4(POLD1):c.1194C>G (p.Ile398Met)

Gene: POLD1 (DNA polymerase delta 1, catalytic subunit; plus strand). Cytogenetic location: 19q13.33.
Variant type: single nucleotide variant.
Coding change: c.1194C>G on transcript NM_002691.4 (MANE Select); coding-DNA position 1194, C replaced by G.
Protein change: p.Ile398Met; replaces isoleucine 398 with methionine.
Molecular consequence: missense variant. On other transcripts: non-coding transcript variant (1).
Genome position (GRCh38, 1-based): chr19:50,403,549, C>G. VCF-style: chr19-50403549-C-G. GRCh37 (hg19) VCF-style: chr19-50906806-C-G.
Other names: c.1194C>G, p.Ile398Met (NM_001256849.1, NM_001308632.1); short protein forms I398M.
Identifiers: ClinVar variation 239226 (VCV000239226.18), dbSNP rs878854519, ClinGen allele CA10583824.

ClinVar aggregate classification (germline): Uncertain significance. Review status: criteria provided, multiple submitters, no conflicts (2 of 4 stars). 5 submissions from 5 submitters: Uncertain significance (5). Last evaluated 2026-01-05.

Conditions:
Hereditary cancer-predisposing syndrome. Also called: Hereditary Cancer Syndrome; Neoplastic Syndromes, Hereditary; Hereditary neoplastic syndrome; Tumor predisposition. Identifiers: Orphanet 140162, MedGen C0027672, MeSH D009386, MONDO:0015356.
POLD1-related polyposis and colorectal cancer syndrome (CRCS10). Also called: COLORECTAL CANCER, SUSCEPTIBILITY TO, ON CHROMOSOME 19q; Colorectal cancer 10; Colorectal cancer, susceptibility to, 10. Identifiers: Orphanet 220460, MedGen C2675481, MONDO:0012953, OMIM 612591.

Allele frequency attached by ClinVar (database versions not stated): gnomAD exomes below 0.00001 and 0.00001; TOPMed below 0.00001.
gnomAD v4.1: 6 of 1,614,092 alleles (0.00037%); highest among the groups gnomAD compares: Non-Finnish European, 0.00051%; no homozygotes.

Submissions (5):

Labcorp Genetics (formerly Invitae), Labcorp
Classification: Uncertain significance for POLD1-related polyposis and colorectal cancer syndrome. Last evaluated: 2026-01-05. Review status: criteria provided, single submitter. Criteria: Invitae Variant Classification Sherloc (09022015). Collection method: clinical testing. Allele origin: germline.
Comment: This sequence change replaces isoleucine, which is neutral and non-polar, with methionine, which is neutral and non-polar, at codon 398 of the POLD1 protein (p.Ile398Met). This variant is not present in population databases (gnomAD no frequency). This variant has not been reported in the literature in individuals affected with POLD1-related conditions. ClinVar contains an entry for this variant (Variation ID: 239226). Invitae Evidence Modeling of protein sequence and biophysical properties (such as structural, functional, and spatial information, amino acid conservation, physicochemical variation, residue mobility, and thermodynamic stability) indicates that this missense variant is not expected to disrupt POLD1 protein function with a negative predictive value of 80%. In summary, the available evidence is currently insufficient to determine the role of this variant in disease. Therefore, it has been classified as a Variant of Uncertain Significance.

Ambry Genetics
Classification: Uncertain significance for Hereditary cancer-predisposing syndrome. Last evaluated: 2024-06-27. Review status: criteria provided, single submitter. Criteria: Ambry Variant Classification Scheme 2023. Collection method: clinical testing. Allele origin: germline.
Comment: The p.I398M variant (also known as c.1194C>G), located in coding exon 9 of the POLD1 gene, results from a C to G substitution at nucleotide position 1194. The isoleucine at codon 398 is replaced by methionine, an amino acid with highly similar properties. This amino acid position is highly conserved in available vertebrate species. In addition, this alteration is predicted to be tolerated by in silico analysis. Since supporting evidence is limited at this time, the clinical significance of this alteration remains unclear.

GeneDx
Classification: Uncertain significance. Last evaluated: 2023-12-14. Review status: criteria provided, single submitter. Criteria: GeneDx Variant Classification Process June 2021. Collection method: clinical testing. Allele origin: germline. Affected: yes.
Comment: Not observed at significant frequency in large population cohorts (gnomAD); In silico analysis supports that this missense variant has a deleterious effect on protein structure/function; Has not been previously published as pathogenic or benign to our knowledge; This variant is associated with the following publications: (PMID: 20951805)

Baylor Genetics
Classification: Uncertain significance for POLD1-related polyposis and colorectal cancer syndrome. Last evaluated: 2023-10-24. Review status: criteria provided, single submitter. Criteria: ACMG Guidelines, 2015. Collection method: clinical testing. Allele origin: unknown.

Blueprint Genetics
Classification: Uncertain significance. Last evaluated: 2022-06-27. Review status: criteria provided, single submitter. Criteria: ACMG Guidelines, 2015. Collection method: clinical testing. Allele origin: germline.